The following is an entry in ClinVar:

ClinVar aggregate classification (germline): Uncertain significance (0 of 4 stars; one submission).

Conditions:
JARID2-related disorder. Also called: JARID2-related condition.

gnomAD v4.1: 2 of 1,609,864 alleles (0.00012%); highest among the groups gnomAD compares: Admixed American, 0.0017%; no homozygotes.

Submission:

PreventionGenetics, part of Exact Sciences
Classification: Uncertain significance for JARID2-related condition. Last evaluated: 2024-06-25. Review status: no assertion criteria provided. Collection method: clinical testing. Allele origin: germline.
Comment: The JARID2 c.1268G>T variant is predicted to result in the amino acid substitution p.Gly423Val. To our knowledge, this variant has not been reported in the literature or in gnomAD, indicating this variant is rare. At this time, the clinical significance of this variant is uncertain due to the absence of conclusive functional and genetic evidence.

NM_004973.4(JARID2):c.1268G>T (p.Gly423Val)

Gene: JARID2 (jumonji and AT-rich interaction domain containing 2; plus strand). Cytogenetic location: 6p22.3.
Variant type: single nucleotide variant.
Coding change: c.1268G>T on transcript NM_004973.4 (MANE Select); coding-DNA position 1268, G replaced by T.
Protein change: p.Gly423Val; replaces glycine 423 with valine.
Molecular consequence: missense variant.
Genome position (GRCh38, 1-based): chr6:15,496,493, G>T. VCF-style: chr6-15496493-G-T. GRCh37 (hg19) VCF-style: chr6-15496724-G-T.
Other names: c.752G>T, p.Gly251Val (NM_001267040.1); short protein forms G251V, G423V.
Identifiers: ClinVar variation 3357901 (VCV003357901.1).